The following is an entry in ClinVar:

NM_015072.5(TTLL5):c.182-5_182-1delinsCTTAT

Gene: TTLL5 (tubulin tyrosine ligase like 5; plus strand). Cytogenetic location: 14q24.3.
Variant type: Indel.
Coding change: c.182-5_182-1delinsCTTAT on transcript NM_015072.5 (MANE Select); 5 bases into the intron before coding-DNA position 182 through the canonical splice acceptor site of the intron before coding-DNA position 182, TTTAG replaced by CTTAT.
Molecular consequence: splice acceptor variant.
Genome position (GRCh38, 1-based): chr14:75,681,540-75,681,544, TTTAG replaced by CTTAT. VCF-style: chr14-75681540-TTTAG-CTTAT. GRCh37 (hg19) VCF-style: chr14-76147883-TTTAG-CTTAT.
Identifiers: ClinVar variation 4849454 (VCV004849454.1).

ClinVar aggregate classification (germline): Likely pathogenic (1 of 4 stars; one submission).

Conditions:
Cone-rod dystrophy 19 (CORD19). Identifiers: Orphanet 1872, MedGen C4014501, MONDO:0014372, OMIM 615860.

Submission:

First Genomix Gene Laboratory, Genetic Diagnostics Department
Classification: Likely pathogenic for Cone-rod dystrophy 19. Last evaluated: 2025-06-04. Review status: criteria provided, single submitter. Criteria: ACMG Guidelines, 2015. Collection method: clinical testing. Allele origin: germline. Inheritance: Autosomal recessive inheritance. Affected: yes.